The following is an entry in ClinVar:

ClinVar aggregate classification (germline): Uncertain significance (1 of 4 stars; one submission).

Conditions:
Fanconi anemia (FA). Also called: Fanconi's anemia. Identifiers: Orphanet 84, MedGen C0015625, MeSH D005199, MONDO:0019391.

gnomAD v4.1: 2 of 1,614,074 alleles (0.00012%); highest among the groups gnomAD compares: East Asian, 0.0045%; no homozygotes.

Submission:

Labcorp Genetics (formerly Invitae), Labcorp
Classification: Uncertain significance for Fanconi anemia. Last evaluated: 2020-10-08. Review status: criteria provided, single submitter. Criteria: Invitae Variant Classification Sherloc (09022015). Collection method: clinical testing. Allele origin: germline.
Comment: This variant is not present in population databases (ExAC no frequency). In summary, the available evidence is currently insufficient to determine the role of this variant in disease. Therefore, it has been classified as a Variant of Uncertain Significance. Algorithms developed to predict the effect of missense changes on protein structure and function (SIFT, PolyPhen-2, Align-GVGD) all suggest that this variant is likely to be tolerated, but these predictions have not been confirmed by published functional studies and their clinical significance is uncertain. This variant has not been reported in the literature in individuals with FANCD2-related conditions. This sequence change replaces glycine with arginine at codon 1047 of the FANCD2 protein (p.Gly1047Arg). The glycine residue is weakly conserved and there is a moderate physicochemical difference between glycine and arginine.

NM_001018115.3(FANCD2):c.3139G>A (p.Gly1047Arg)

Genes: FANCD2 (FA complementation group D2; plus strand), FANCD2OS (FANCD2 opposite strand; minus strand). Cytogenetic location: 3p25.3.
Variant type: single nucleotide variant.
Coding change: c.3139G>A on transcript NM_001018115.3 (MANE Select); coding-DNA position 3139, G replaced by A.
Protein change: p.Gly1047Arg; replaces glycine 1047 with arginine.
Molecular consequence: missense variant. On other transcripts: 3 prime UTR variant (1).
Genome position (GRCh38, 1-based): chr3:10,081,379, G>A. VCF-style: chr3-10081379-G-A. GRCh37 (hg19) VCF-style: chr3-10123063-G-A.
Other names: c.*196C>T (NM_173472.2); c.3139G>A, p.Gly1047Arg (NM_001319984.2, NM_001374254.1, NM_033084.6); c.3028G>A, p.Gly1010Arg (NM_001374253.1); short protein forms G1010R, G1047R.
Identifiers: ClinVar variation 1001657 (VCV001001657.9), dbSNP rs1693825081, ClinGen allele CA351748536.
Genomic context (GRCh38, chr3:10,081,379, plus strand): 5'-CTGTCCTAAAATCATTTTTATTTTTAGTGTTTAGCTGCTGAGAATCACGGTGTAGTTGAT[G>A]GACCAGGAGTGAAAGTTCAGGAGTACCACATAATGTCTTCCTGCTATCAGAGGCTGCTGC-3'
Protein context (NP_001018125.1, residues 1037-1057): LAAENHGVVD[Gly1047Arg]PGVKVQEYHI